The following is an entry in ClinVar:

ClinVar aggregate classification (germline): Uncertain significance. Review status: criteria provided, multiple submitters, no conflicts (2 of 4 stars). 2 submissions from 2 submitters: Uncertain significance (2). Last evaluated 2023-11-06.

Conditions:
Hereditary cancer-predisposing syndrome. Also called: Hereditary Cancer Syndrome; Tumor predisposition; Hereditary neoplastic syndrome; Neoplastic Syndromes, Hereditary. Identifiers: Orphanet 140162, MedGen C0027672, MeSH D009386, MONDO:0015356.
Juvenile polyposis syndrome (JPS). Identifiers: Orphanet 2929, MedGen C0345893, MONDO:0017380, OMIM 174900.

Submissions (2):

Labcorp Genetics (formerly Invitae), Labcorp
Classification: Uncertain significance for Juvenile polyposis syndrome. Last evaluated: 2023-11-06. Review status: criteria provided, single submitter. Criteria: Invitae Variant Classification Sherloc (09022015). Collection method: clinical testing. Allele origin: germline.
Comment: This sequence change replaces aspartic acid, which is acidic and polar, with alanine, which is neutral and non-polar, at codon 90 of the BMPR1A protein (p.Asp90Ala). This variant is not present in population databases (gnomAD no frequency). This variant has not been reported in the literature in individuals affected with BMPR1A-related conditions. Advanced modeling of protein sequence and biophysical properties (such as structural, functional, and spatial information, amino acid conservation, physicochemical variation, residue mobility, and thermodynamic stability) performed at Invitae indicates that this missense variant is not expected to disrupt BMPR1A protein function with a negative predictive value of 80%. In summary, the available evidence is currently insufficient to determine the role of this variant in disease. Therefore, it has been classified as a Variant of Uncertain Significance.

Ambry Genetics
Classification: Uncertain significance for Hereditary cancer-predisposing syndrome. Last evaluated: 2023-09-29. Review status: criteria provided, single submitter. Criteria: Ambry Variant Classification Scheme 2023. Collection method: clinical testing. Allele origin: germline.
Comment: The p.D90A variant (also known as c.269A>C), located in coding exon 3 of the BMPR1A gene, results from an A to C substitution at nucleotide position 269. The aspartic acid at codon 90 is replaced by alanine, an amino acid with dissimilar properties. This amino acid position is conserved. In addition, the in silico prediction for this alteration is inconclusive. Since supporting evidence is limited at this time, the clinical significance of this alteration remains unclear.

NM_004329.3(BMPR1A):c.269A>C (p.Asp90Ala)

Gene: BMPR1A (bone morphogenetic protein receptor type 1A; plus strand). Cytogenetic location: 10q23.2.
Variant type: single nucleotide variant.
Coding change: c.269A>C on transcript NM_004329.3 (MANE Select); coding-DNA position 269, A replaced by C.
Protein change: p.Asp90Ala; replaces aspartic acid 90 with alanine.
Molecular consequence: missense variant. On other transcripts: non-coding transcript variant (3).
Genome position (GRCh38, 1-based): chr10:86,892,165, A>C. VCF-style: chr10-86892165-A-C. GRCh37 (hg19) VCF-style: chr10-88651922-A-C.
Other names: c.269A>C, p.Asp90Ala (NM_001406561.1, NM_001406562.1, NM_001406563.1 and 23 more transcripts); c.185A>C, p.Asp62Ala (NM_001406584.1, NM_001406585.1, NM_001406586.1 and 2 more transcripts); short protein forms D62A, D90A.
Identifiers: ClinVar variation 2742527 (VCV002742527.4), dbSNP rs2539445678, ClinGen allele CA377448073.